The following is an entry in ClinVar:

ClinVar aggregate classification (germline): Uncertain significance (1 of 4 stars; one submission).

Submission:

Labcorp Genetics (formerly Invitae), Labcorp
Classification: Uncertain significance. Last evaluated: 2024-12-26. Review status: criteria provided, single submitter. Criteria: Invitae Variant Classification Sherloc (09022015). Collection method: clinical testing. Allele origin: germline.
Comment: This sequence change replaces serine, which is neutral and polar, with proline, which is neutral and non-polar, at codon 414 of the MYCBP2 protein (p.Ser414Pro). This variant is not present in population databases (gnomAD no frequency). This variant has not been reported in the literature in individuals affected with MYCBP2-related conditions. An algorithm developed to predict the effect of missense changes on protein structure and function (PolyPhen-2) suggests that this variant is likely to be disruptive. In summary, the available evidence is currently insufficient to determine the role of this variant in disease. Therefore, it has been classified as a Variant of Uncertain Significance.

NM_015057.5(MYCBP2):c.1240T>C (p.Ser414Pro)

Gene: MYCBP2 (MYC binding protein 2; minus strand). Cytogenetic location: 13q22.3.
Variant type: single nucleotide variant.
Coding change: c.1240T>C on transcript NM_015057.5 (MANE Select); coding-DNA position 1240, T replaced by C.
Protein change: p.Ser414Pro; replaces serine 414 with proline.
Molecular consequence: missense variant.
Genome position (GRCh38, 1-based): chr13:77,270,012, A>G on the plus strand (T>C on the coding strand, the complement: MYCBP2 is on the minus strand). VCF-style: chr13-77270012-A-G. GRCh37 (hg19) VCF-style: chr13-77844147-A-G.
Other names: short protein forms S414P.
Identifiers: ClinVar variation 3656642 (VCV003656642.2).